The following is an entry in ClinVar:

NM_014629.4(ARHGEF10):c.3914C>T (p.Ser1305Leu)

Gene: ARHGEF10 (Rho guanine nucleotide exchange factor 10; plus strand). Cytogenetic location: 8p23.3.
Variant type: single nucleotide variant.
Coding change: c.3914C>T on transcript NM_014629.4 (MANE Select); coding-DNA position 3914, C replaced by T.
Protein change: p.Ser1305Leu; replaces serine 1305 with leucine.
Molecular consequence: missense variant.
Genome position (GRCh38, 1-based): chr8:1,957,142, C>T. VCF-style: chr8-1957142-C-T. GRCh37 (hg19) VCF-style: chr8-1905308-C-T.
Other names: c.3800C>T, p.Ser1267Leu (NM_001308152.2); c.3914C>T, p.Ser1305Leu (NM_001308153.3); short protein forms S1305L, S1267L, S1329L.
Identifiers: ClinVar variation 1434127 (VCV001434127.6), dbSNP rs144142470, ClinGen allele CA4601528.

ClinVar aggregate classification (germline): Uncertain significance (1 of 4 stars; one submission).

Allele frequency attached by ClinVar (database versions not stated): ExAC 0.00006; gnomAD 0.00012 and 0.00014; TOPMed 0.00017; 1000 Genomes Project 0.00020; 1000 Genomes Project 30x 0.00031; ESP Exome Variant Server 0.00031.
gnomAD v4.1: 62 of 1,612,798 alleles (0.0038%); highest among the groups gnomAD compares: African/African-American, 0.043%; no homozygotes.

Submission:

Labcorp Genetics (formerly Invitae), Labcorp
Classification: Uncertain significance. Last evaluated: 2026-01-11. Review status: criteria provided, single submitter. Criteria: Invitae Variant Classification Sherloc (09022015). Collection method: clinical testing. Allele origin: germline.
Comment: This sequence change replaces serine, which is neutral and polar, with leucine, which is neutral and non-polar, at codon 1305 of the ARHGEF10 protein (p.Ser1305Leu). This variant is present in population databases (rs144142470, gnomAD 0.03%). This variant has not been reported in the literature in individuals affected with ARHGEF10-related conditions. ClinVar contains an entry for this variant (Variation ID: 1434127). Invitae Evidence Modeling of protein sequence and biophysical properties (such as structural, functional, and spatial information, amino acid conservation, physicochemical variation, residue mobility, and thermodynamic stability) indicates that this missense variant is expected to disrupt ARHGEF10 protein function with a positive predictive value of 80%. In summary, the available evidence is currently insufficient to determine the role of this variant in disease. Therefore, it has been classified as a Variant of Uncertain Significance.